The following is an entry in ClinVar:

NM_000179.3(MSH6):c.3541G>A (p.Asp1181Asn)

Gene: MSH6 (mutS homolog 6; plus strand). Cytogenetic location: 2p16.3.
Variant type: single nucleotide variant.
Coding change: c.3541G>A on transcript NM_000179.3 (MANE Select); coding-DNA position 3541, G replaced by A.
Protein change: p.Asp1181Asn; replaces aspartic acid 1181 with asparagine.
Molecular consequence: missense variant.
Genome position (GRCh38, 1-based): chr2:47,805,012, G>A. VCF-style: chr2-47805012-G-A. GRCh37 (hg19) VCF-style: chr2-48032151-G-A.
Other names: c.3151G>A, p.Asp1051Asn (NM_001281492.2); c.2635G>A, p.Asp879Asn (NM_001281493.2, NM_001281494.2); short protein forms D1051N, D1181N, D879N.
Identifiers: ClinVar variation 650772 (VCV000650772.14), dbSNP rs762406364, ClinGen allele CA071169.
Genomic context (GRCh38, chr2:47,805,012, plus strand): 5'-CCTGCTGAAGTGTGCAGGCTCACACCAATTGATAGAGTGTTTACTAGACTTGGTGCCTCA[G>A]ACAGAATAATGTCAGGTGAGTTTTTTGTTTCCCACTTAAGTTCTCATTCAGTCATTTAGA-3'
Protein context (NP_000170.1, residues 1171-1191): DRVFTRLGAS[Asp1181Asn]RIMSGESTFF

ClinVar aggregate classification (germline): Uncertain significance. Review status: criteria provided, multiple submitters, no conflicts (2 of 4 stars). 4 submissions from 4 submitters: Uncertain significance (4). Last evaluated 2025-02-01.

Conditions:
Lynch syndrome. Identifiers: Orphanet 144, MedGen C4552100, MONDO:0005835. Disease mechanism: loss of function.
Hereditary cancer-predisposing syndrome. Also called: Neoplastic Syndromes, Hereditary; Tumor predisposition; Hereditary Cancer Syndrome; Hereditary neoplastic syndrome. Identifiers: Orphanet 140162, MedGen C0027672, MeSH D009386, MONDO:0015356.
Hereditary nonpolyposis colorectal neoplasms. Identifiers: MedGen C0009405, MeSH D003123.

Allele frequency attached by ClinVar (database versions not stated): gnomAD 0.00001; gnomAD exomes 0.00001; ExAC 0.00002.
gnomAD v4.1: 4 of 1,612,522 alleles (0.00025%); highest among the groups gnomAD compares: Non-Finnish European, 0.00034%; no homozygotes.

Submissions (4):

Ambry Genetics
Classification: Uncertain significance for Hereditary cancer-predisposing syndrome. Last evaluated: 2025-02-01. Review status: criteria provided, single submitter. Criteria: Ambry Variant Classification Scheme 2023. Collection method: clinical testing. Allele origin: germline.
Comment: The p.D1181N variant (also known as c.3541G>A), located in coding exon 6 of the MSH6 gene, results from a G to A substitution at nucleotide position 3541. The aspartic acid at codon 1181 is replaced by asparagine, an amino acid with highly similar properties. This variant has been identified in a proband whose Lynch syndrome-associated tumor demonstrated normal mismatch repair protein expression by immunohistochemistry (Djursby M et al. Hum Genet, 2022 Dec;141:1925-1933). This amino acid position is highly conserved in available vertebrate species. In addition, the in silico prediction for this alteration is inconclusive. Based on the available evidence, the clinical significance of this variant remains unclear.

Labcorp Genetics (formerly Invitae), Labcorp
Classification: Uncertain significance for Hereditary nonpolyposis colorectal neoplasms. Last evaluated: 2024-03-05. Review status: criteria provided, single submitter. Criteria: Invitae Variant Classification Sherloc (09022015). Collection method: clinical testing. Allele origin: germline.
Comment: This sequence change replaces aspartic acid, which is acidic and polar, with asparagine, which is neutral and polar, at codon 1181 of the MSH6 protein (p.Asp1181Asn). This variant is present in population databases (rs762406364, gnomAD 0.003%). This missense change has been observed in individual(s) with MSH6-related conditions (PMID: 35904628). ClinVar contains an entry for this variant (Variation ID: 650772). Advanced modeling of protein sequence and biophysical properties (such as structural, functional, and spatial information, amino acid conservation, physicochemical variation, residue mobility, and thermodynamic stability) has been performed at Invitae for this missense variant, however the output from this modeling did not meet the statistical confidence thresholds required to predict the impact of this variant on MSH6 protein function. In summary, the available evidence is currently insufficient to determine the role of this variant in disease. Therefore, it has been classified as a Variant of Uncertain Significance.

All of Us Research Program, National Institutes of Health
Classification: Uncertain significance for Lynch syndrome. Last evaluated: 2023-04-03. Review status: criteria provided, single submitter. Criteria: ACMG Guidelines, 2015. Collection method: clinical testing. Allele origin: germline. Inheritance: Autosomal dominant inheritance. Observed: 1 variant allele, 1 heterozygote.
Comment: This missense variant replaces aspartic acid with asparagine at codon 1181 of the MSH6 protein. Computational prediction suggests that this variant may have deleterious impact on protein structure and function (internally defined REVEL score threshold >= 0.7, PMID: 27666373). To our knowledge, functional studies have not been reported for this variant. This variant has not been reported in individuals affected with MSH6-related disorders in the literature. This variant has been identified in 3/251178 chromosomes in the general population by the Genome Aggregation Database (gnomAD). The available evidence is insufficient to determine the role of this variant in disease conclusively. Therefore, this variant is classified as a Variant of Uncertain Significance.

This study involves interpretation of variants in research participants for the purpose of population health screening. Participant phenotype was not available at the time of variant classification. Additional details can be found in publication PMID: 35346344, PMCID: PMC8962531

Quest Diagnostics Nichols Institute San Juan Capistrano
Classification: Uncertain significance. Last evaluated: 2020-11-10. Review status: criteria provided, single submitter. Criteria: Quest Diagnostics criteria. Collection method: clinical testing. Allele origin: unknown.

Literature cited by the submitters: PubMed 35904628 (cited by Ambry Genetics and Labcorp Genetics (formerly Invitae), Labcorp).